The following is an entry in ClinVar:

NM_001429.4(EP300):c.2657C>T (p.Pro886Leu)

Gene: EP300 (EP300 lysine acetyltransferase; plus strand). Cytogenetic location: 22q13.2.
Variant type: single nucleotide variant.
Coding change: c.2657C>T on transcript NM_001429.4 (MANE Select); coding-DNA position 2657, C replaced by T.
Protein change: p.Pro886Leu; replaces proline 886 with leucine.
Molecular consequence: missense variant.
Genome position (GRCh38, 1-based): chr22:41,150,038, C>T. VCF-style: chr22-41150038-C-T. GRCh37 (hg19) VCF-style: chr22-41546042-C-T.
Other names: c.2579C>T, p.Pro860Leu (NM_001362843.2); short protein forms P860L, P886L.
Identifiers: ClinVar variation 2630253 (VCV002630253.3), dbSNP rs1436028814, ClinGen allele CA411691736.

ClinVar aggregate classification (germline): Uncertain significance (1 of 4 stars; one submission).

Conditions:
EP300-related disorder. Also called: EP300-related disorders; EP300-related condition.

Allele frequency attached by ClinVar (database versions not stated): TOPMed below 0.00001; gnomAD 0.00001; gnomAD exomes 0.00003.
gnomAD v4.1: 49 of 1,613,932 alleles (0.003%); highest among the groups gnomAD compares: Non-Finnish European, 0.004%; no homozygotes.

Submission:

PreventionGenetics, part of Exact Sciences
Classification: Uncertain significance for EP300-related condition. Last evaluated: 2025-11-17. Review status: criteria provided, single submitter. Criteria: ACMG Guidelines, 2015. Collection method: clinical testing. Allele origin: germline.
Comment: The EP300 c.2657C>T variant is predicted to result in the amino acid substitution p.Pro886Leu. To our knowledge, this variant has not been reported in the literature. This variant is reported in 0.013% of alleles in individuals of European (non-Finnish) descent in gnomAD, which is likely too common for an undocumented disease-causing variant. Although we suspect that this variant may be benign, at this time, the clinical significance of this variant is uncertain due to the absence of conclusive functional and genetic evidence.